The following is an entry in ClinVar:

ClinVar aggregate classification (germline): Uncertain significance (1 of 4 stars; one submission).

Submission:

Ambry Genetics
Classification: Uncertain significance. Last evaluated: 2026-07-29. Review status: criteria provided, single submitter. Criteria: Ambry Variant Classification Scheme 2023. Collection method: clinical testing. Allele origin: germline.
Comment: The c.1240C>T (p.R414C) alteration is located in exon 11 (coding exon 11) of the UBA7 gene. This alteration results from a C to T substitution at nucleotide position 1240, causing the arginine (R) at amino acid position 414 to be replaced by a cysteine (C). Based on data from gnomAD, the T allele has an overall frequency of 0.003% (8/282608) total alleles studied. The highest observed frequency was 0.017% (6/35422) of Latino alleles. Based on insufficient or conflicting evidence, the clinical significance of this alteration remains unclear.

NM_003335.3(UBA7):c.1240C>T (p.Arg414Cys)

Gene: UBA7 (ubiquitin like modifier activating enzyme 7; minus strand). Cytogenetic location: 3p21.31.
Variant type: single nucleotide variant.
Coding change: c.1240C>T on transcript NM_003335.3 (MANE Select); coding-DNA position 1240, C replaced by T.
Protein change: p.Arg414Cys; replaces arginine 414 with cysteine.
Molecular consequence: missense variant.
Genome position (GRCh38, 1-based): chr3:49,810,823, G>A on the plus strand (C>T on the coding strand, the complement: UBA7 is on the minus strand). VCF-style: chr3-49810823-G-A. GRCh37 (hg19) VCF-style: chr3-49848256-G-A.
Other names: short protein forms R414C.
Identifiers: ClinVar variation 5031556 (VCV005031556.1).
Genomic context (GRCh38, chr3:49,810,823, plus strand): 5'-GCTGGCGTCTCAGTTTCTCCTGAAAACCAGCCCCAAACACTGCAATTTGCCCATCATAGC[G>A]GCTGCCTCTCTAGGGGACAGAGACGGGGTCAGTGATGGCTACTGGCCTGCATCTCCTTCT-3'
Protein context (NP_003326.2, residues 404-424): SPEDCALRGS[Arg414Cys]YDGQIAVFGA